The following is an entry in ClinVar:

NM_183235.3(RAB27A):c.*1647T>G

Gene: RAB27A (RAB27A, member RAS oncogene family; minus strand). Cytogenetic location: 15q21.3.
Variant type: single nucleotide variant.
Coding change: c.*1647T>G on transcript NM_183235.3 (MANE Select); 1647 bases downstream of the stop codon, T replaced by G.
Molecular consequence: 3 prime UTR variant.
Genome position (GRCh38, 1-based): chr15:55,203,860, A>C on the plus strand (T>G on the coding strand, the complement: RAB27A is on the minus strand). VCF-style: chr15-55203860-A-C. GRCh37 (hg19) VCF-style: chr15-55496058-A-C.
Other names: c.*1647T>G (NM_004580.5, NM_183234.3, NM_183236.3).
Identifiers: ClinVar variation 316622 (VCV000316622.6), dbSNP rs1061822, ClinGen allele CA10646351.

ClinVar aggregate classification (germline): Benign. Review status: criteria provided, multiple submitters, no conflicts (2 of 4 stars). 2 submissions from 2 submitters: Benign (2). Last evaluated 2018-01-13.

Conditions:
Griscelli syndrome type 2 (GS2). Also called: GRISCELLI SYNDROME WITH HEMOPHAGOCYTIC SYNDROME; PAID SYNDROME; PARTIAL ALBINISM AND IMMUNODEFICIENCY SYNDROME. Identifiers: Orphanet 381, Orphanet 79477, MedGen C1868679, MONDO:0011872, OMIM 607624.

Allele frequency attached by ClinVar (database versions not stated): 1000 Genomes Project 0.26538; gnomAD 0.26690 and 0.27431; 1000 Genomes Project 30x 0.27108; TOPMed 0.27680.

Submissions (2):

Illumina Laboratory Services, Illumina
Classification: Benign for Griscelli syndrome type 2. Last evaluated: 2018-01-13. Review status: criteria provided, single submitter. Criteria: ICSL Variant Classification Criteria 13 December 2019. Collection method: clinical testing. Allele origin: germline.
Comment: This variant was observed in the ICSL laboratory as part of a predisposition screen in an ostensibly healthy population. It had not been previously curated by ICSL or reported in the Human Gene Mutation Database (HGMD: prior to June 1st, 2018), and was therefore a candidate for classification through an automated scoring system. Utilizing variant allele frequency, disease prevalence and penetrance estimates, and inheritance mode, an automated score was calculated to assess if this variant is too frequent to cause the disease. Based on the score and internal cut-off values, a variant classified as benign is not then subjected to further curation. The score for this variant resulted in a classification of benign for this disease.

Breakthrough Genomics
Classification: Benign. Review status: criteria provided, single submitter. Criteria: ACMG Guidelines, 2015. Collection method: not provided. Allele origin: germline. Inheritance: Autosomal recessive inheritance. Affected: yes.